The following is an entry in ClinVar:

NM_024513.4(FYCO1):c.*2557G>A

Gene: FYCO1 (FYVE and coiled-coil domain autophagy adaptor 1; minus strand). Cytogenetic location: 3p21.31.
Variant type: single nucleotide variant.
Coding change: c.*2557G>A on transcript NM_024513.4 (MANE Select); 2557 bases downstream of the stop codon, G replaced by A.
Molecular consequence: 3 prime UTR variant.
Genome position (GRCh38, 1-based): chr3:45,919,208, C>T on the plus strand (G>A on the coding strand, the complement: FYCO1 is on the minus strand). VCF-style: chr3-45919208-C-T. GRCh37 (hg19) VCF-style: chr3-45960700-C-T.
Identifiers: ClinVar variation 345458 (VCV000345458.6), dbSNP rs1994493, ClinGen allele CA10618681.

ClinVar aggregate classification (germline): Benign. Review status: criteria provided, multiple submitters, no conflicts (2 of 4 stars). 2 submissions from 2 submitters: Benign (2). Last evaluated 2018-01-13.

Conditions:
Cataract 18 (CATC2). Also called: CATARACT 18, AUTOSOMAL RECESSIVE. Identifiers: Orphanet 91492, Orphanet 98991, Orphanet 98992, Orphanet 98995, MedGen C1864908, MONDO:0012395, OMIM 610019.

Allele frequency attached by ClinVar (database versions not stated): TOPMed 0.07157; gnomAD 0.07933 and 0.08696; 1000 Genomes Project 30x 0.10337; 1000 Genomes Project 0.10623.

Submissions (2):

Illumina Laboratory Services, Illumina
Classification: Benign for Cataract 18. Last evaluated: 2018-01-13. Review status: criteria provided, single submitter. Criteria: ICSL Variant Classification Criteria 13 December 2019. Collection method: clinical testing. Allele origin: germline.
Comment: This variant was observed in the ICSL laboratory as part of a predisposition screen in an ostensibly healthy population. It had not been previously curated by ICSL or reported in the Human Gene Mutation Database (HGMD: prior to June 1st, 2018), and was therefore a candidate for classification through an automated scoring system. Utilizing variant allele frequency, disease prevalence and penetrance estimates, and inheritance mode, an automated score was calculated to assess if this variant is too frequent to cause the disease. Based on the score and internal cut-off values, a variant classified as benign is not then subjected to further curation. The score for this variant resulted in a classification of benign for this disease.

Breakthrough Genomics
Classification: Benign. Review status: criteria provided, single submitter. Criteria: ACMG Guidelines, 2015. Collection method: not provided. Allele origin: germline. Inheritance: Autosomal recessive inheritance. Affected: yes.